The following is an entry in ClinVar:

ClinVar aggregate classification (germline): Uncertain significance (1 of 4 stars; one submission).

Conditions:
COL4A6-related disorder. Also called: COL4A6-related condition.

gnomAD v4.1: 1 of 1,204,264 alleles (0.000083%); highest among the groups gnomAD compares: Non-Finnish European, 0.00011%; no homozygotes.

Submission:

PreventionGenetics, part of Exact Sciences
Classification: Uncertain significance for COL4A6-related condition. Last evaluated: 2025-06-25. Review status: criteria provided, single submitter. Criteria: ACMG Guidelines, 2015. Collection method: clinical testing. Allele origin: germline.
Comment: The COL4A6 c.1642C>G variant is predicted to result in the amino acid substitution p.Pro548Ala. To our knowledge, this variant has not been reported in the literature or in a large population database (gnomAD), indicating this variant is rare. At this time, the clinical significance of this variant is uncertain due to the absence of conclusive functional and genetic evidence.

NM_033641.4(COL4A6):c.1639C>G (p.Pro547Ala)

Gene: COL4A6 (collagen type IV alpha 6 chain; minus strand). Cytogenetic location: Xq22.3.
Variant type: single nucleotide variant.
Coding change: c.1639C>G on transcript NM_033641.4 (MANE Select); coding-DNA position 1639, C replaced by G.
Protein change: p.Pro547Ala; replaces proline 547 with alanine.
Molecular consequence: missense variant.
Genome position (GRCh38, 1-based): chrX:108,187,976, G>C on the plus strand (C>G on the coding strand, the complement: COL4A6 is on the minus strand). VCF-style: chrX-108187976-G-C. GRCh37 (hg19) VCF-style: chrX-107431206-G-C.
Other names: c.1639C>G, p.Pro547Ala (NM_001287758.2, NM_001287759.2, NM_001287760.2 and 1 more transcripts); c.1642C>G, p.Pro548Ala (NM_001440759.1, NM_001847.4); short protein forms P547A, P548A.
Identifiers: ClinVar variation 4984816 (VCV004984816.1).